The following is an entry in ClinVar:

ClinVar aggregate classification (germline): Uncertain significance (1 of 4 stars; one submission).

Allele frequency attached by ClinVar (database versions not stated): gnomAD exomes 0.00001 and 0.00002; TOPMed 0.00002; ExAC 0.00004.

Submission:

Labcorp Genetics (formerly Invitae), Labcorp
Classification: Uncertain significance. Last evaluated: 2025-08-01. Review status: criteria provided, single submitter. Criteria: Invitae Variant Classification Sherloc (09022015). Collection method: clinical testing. Allele origin: germline.
Comment: This sequence change replaces threonine, which is neutral and polar, with methionine, which is neutral and non-polar, at codon 472 of the C1S protein (p.Thr472Met). This variant is present in population databases (rs782089371, gnomAD 0.009%). This variant has not been reported in the literature in individuals affected with C1S-related conditions. ClinVar contains an entry for this variant (Variation ID: 1415304). Invitae Evidence Modeling of protein sequence and biophysical properties (such as structural, functional, and spatial information, amino acid conservation, physicochemical variation, residue mobility, and thermodynamic stability) indicates that this missense variant is expected to disrupt C1S protein function with a positive predictive value of 80%. In summary, the available evidence is currently insufficient to determine the role of this variant in disease. Therefore, it has been classified as a Variant of Uncertain Significance.

NM_001734.5(C1S):c.1415C>T (p.Thr472Met)

Gene: C1S (complement C1s; plus strand). Cytogenetic location: 12p13.31.
Variant type: single nucleotide variant.
Coding change: c.1415C>T on transcript NM_001734.5 (MANE Select); coding-DNA position 1415, C replaced by T.
Protein change: p.Thr472Met; replaces threonine 472 with methionine.
Molecular consequence: missense variant.
Genome position (GRCh38, 1-based): chr12:7,069,999, C>T. VCF-style: chr12-7069999-C-T. GRCh37 (hg19) VCF-style: chr12-7177303-C-T.
Other names: c.914C>T, p.Thr305Met (NM_001346850.2); c.1415C>T, p.Thr472Met (NM_201442.4); short protein forms T305M, T472M.
Identifiers: ClinVar variation 1415304 (VCV001415304.6), dbSNP rs782089371, ClinGen allele CA6423784.
Genomic context (GRCh38, chr12:7,069,999, plus strand): 5'-AAGTCTTCTTTGACAACCCATGGGCTGGTGGAGCGCTCATTAATGAGTACTGGGTGCTGA[C>T]GGCTGCTCATGTTGTGGAGGGAAACAGGGAGCCAACAATGTATGTTGGGTCCACCTCAGT-3'
Protein context (NP_001725.1, residues 462-482): GALINEYWVL[Thr472Met]AAHVVEGNRE